The following is an entry in ClinVar:

NM_000463.3(UGT1A1):c.1043del (p.Asn348fs)

Genes: UGT1A (UDP glucuronosyltransferase family 1 member A complex locus; plus strand), UGT1A1 (UDP glucuronosyltransferase family 1 member A1; plus strand), UGT1A10 (UDP glucuronosyltransferase family 1 member A10; plus strand), UGT1A3 (UDP glucuronosyltransferase family 1 member A3; plus strand), UGT1A4 (UDP glucuronosyltransferase family 1 member A4; plus strand) and 5 more. Cytogenetic location: 2q37.1.
Variant type: Deletion.
Coding change: c.1043del on transcript NM_000463.3 (MANE Select); coding-DNA position 1043, one base deleted (A; older notation c.1043delA).
Protein change: p.Asn348fs; shifts the reading frame from asparagine 348.
Molecular consequence: frameshift variant.
Genome position (GRCh38, 1-based): chr2:233,767,895, A deleted; the last of 2 consecutive A bases (chr2:233,767,894-233,767,895); deleting either gives the same sequence. VCF-style (leftmost placement, unchanged base first): chr2-233767893-CA-C. GRCh37 (hg19) VCF-style: chr2-234676539-CA-C.
Other names: c.1034del, p.Asn345fs (NM_019075.4, NM_019076.5, NM_019077.3 and 1 more transcripts); c.1040del, p.Asn347fs (NM_001072.4); c.239del, p.Asn80fs (NM_205862.3); c.1046del, p.Asn349fs (NM_019078.2, NM_007120.3, NM_019093.4); c.1043delA, p.Asn348Thrfs (NM_000463.2); short protein forms N345fs, N347fs, N348fs, N349fs, N80fs.
Identifiers: ClinVar variation 1338379 (VCV001338379.7), dbSNP rs745655794, ClinGen allele CA2179975.

ClinVar aggregate classification (germline): Pathogenic. Review status: criteria provided, multiple submitters, no conflicts (2 of 4 stars). 2 submissions from 2 submitters: Pathogenic (2). Last evaluated 2023-02-13.

Submissions (2):

Labcorp Genetics (formerly Invitae), Labcorp
Classification: Pathogenic. Last evaluated: 2023-02-13. Review status: criteria provided, single submitter. Criteria: Invitae Variant Classification Sherloc (09022015). Collection method: clinical testing. Allele origin: germline.
Comment: ClinVar contains an entry for this variant (Variation ID: 1338379). For these reasons, this variant has been classified as Pathogenic. This variant is also known as c.1046delA. This premature translational stop signal has been observed in individual(s) with Crigler-Najjar syndrome type 1 (PMID: 11013440). This variant is present in population databases (rs745655794, gnomAD 0.01%). This sequence change creates a premature translational stop signal (p.Asn348Thrfs*18) in the UGT1A1 gene. It is expected to result in an absent or disrupted protein product. Loss-of-function variants in UGT1A1 are known to be pathogenic (PMID: 23290513).

Genetic Services Laboratory, University of Chicago
Classification: Pathogenic. Last evaluated: 2018-02-26. Review status: criteria provided, single submitter. Criteria: ACMG Guidelines, 2015. Collection method: clinical testing. Allele origin: germline. Affected: yes.

Literature cited by the submitters: PubMed 11013440 (cited by Labcorp Genetics (formerly Invitae), Labcorp); PubMed 23290513 (cited by Labcorp Genetics (formerly Invitae), Labcorp).